The following is an entry in ClinVar:

NM_014989.7(RIMS1):c.904G>A (p.Glu302Lys)

Gene: RIMS1 (regulating synaptic membrane exocytosis 1; plus strand). Cytogenetic location: 6q13.
Variant type: single nucleotide variant.
Coding change: c.904G>A on transcript NM_014989.7 (MANE Select); coding-DNA position 904, G replaced by A.
Protein change: p.Glu302Lys; replaces glutamic acid 302 with lysine.
Molecular consequence: missense variant.
Genome position (GRCh38, 1-based): chr6:72,182,375, G>A. VCF-style: chr6-72182375-G-A. GRCh37 (hg19) VCF-style: chr6-72892078-G-A.
Other names: short protein forms E302K.
Identifiers: ClinVar variation 1450096 (VCV001450096.6), dbSNP rs2153970144, ClinGen allele CA364819746.
Genomic context (GRCh38, chr6:72,182,375, plus strand): 5'-GGCAAAGGAGCCCTGAAGAGCGAGCGGAAACGCGTGCCAAAGACCTCAGCGCAGCCCGTG[G>A]AGGGGGCCGTCGAAGAACGGGAGCGCAAAGAAAGGCGGGAAAGCCGAAGGCTTGAGAAAG-3'
Protein context (NP_055804.2, residues 292-312): RVPKTSAQPV[Glu302Lys]GAVEERERKE

ClinVar aggregate classification (germline): Uncertain significance (1 of 4 stars; one submission).

Submission:

Labcorp Genetics (formerly Invitae), Labcorp
Classification: Uncertain significance. Last evaluated: 2021-11-05. Review status: criteria provided, single submitter. Criteria: Invitae Variant Classification Sherloc (09022015). Collection method: clinical testing. Allele origin: germline.
Comment: Algorithms developed to predict the effect of missense changes on protein structure and function are either unavailable or do not agree on the potential impact of this missense change (SIFT: "Deleterious"; PolyPhen-2: "Benign"; Align-GVGD: "Class C55"). In summary, the available evidence is currently insufficient to determine the role of this variant in disease. Therefore, it has been classified as a Variant of Uncertain Significance. This sequence change replaces glutamic acid, which is acidic and polar, with lysine, which is basic and polar, at codon 302 of the RIMS1 protein (p.Glu302Lys). This variant is not present in population databases (gnomAD no frequency). This variant has not been reported in the literature in individuals affected with RIMS1-related conditions.